The following is an entry in ClinVar:

ClinVar aggregate classification (germline): Conflicting classifications of pathogenicity. Review status: criteria provided, conflicting classifications (1 of 4 stars). 11 submissions from 11 submitters: Uncertain significance (10); Likely benign (1). Last evaluated 2026-06-05.

Conditions:
Classic or attenuated familial adenomatous polyposis. Identifiers: MedGen CN372698, MONDO:0021057.
Familial adenomatous polyposis 1 (FAP1). Also called: POLYPOSIS, ADENOMATOUS INTESTINAL; FAMILIAL ADENOMATOUS POLYPOSIS 1, ATTENUATED. Identifiers: MedGen C2713442, MONDO:0021056, OMIM 175100. Disease mechanism: loss of function.
Hereditary cancer-predisposing syndrome. Also called: Neoplastic Syndromes, Hereditary; Hereditary neoplastic syndrome; Hereditary Cancer Syndrome; Tumor predisposition. Identifiers: Orphanet 140162, MedGen C0027672, MeSH D009386, MONDO:0015356.

Allele frequency attached by ClinVar (database versions not stated): gnomAD exomes below 0.00001; gnomAD 0.00001; TOPMed 0.00002.
gnomAD v4.1: 7 of 1,613,700 alleles (0.00043%); highest among the groups gnomAD compares: Admixed American, 0.0017%; no homozygotes.

Submissions (11):

Ambry Genetics
Classification: Likely benign for Hereditary cancer-predisposing syndrome. Last evaluated: 2026-06-05. Review status: criteria provided, single submitter. Criteria: Ambry Variant Classification Scheme 2023. Collection method: clinical testing. Allele origin: germline.

Labcorp Genetics (formerly Invitae), Labcorp
Classification: Uncertain significance for Familial adenomatous polyposis 1. Last evaluated: 2026-01-25. Review status: criteria provided, single submitter. Criteria: Invitae Variant Classification Sherloc (09022015). Collection method: clinical testing. Allele origin: germline.
Comment: This sequence change replaces isoleucine, which is neutral and non-polar, with valine, which is neutral and non-polar, at codon 2043 of the APC protein (p.Ile2043Val). This variant is present in population databases (no rsID available, gnomAD 0.003%). This variant has not been reported in the literature in individuals affected with APC-related conditions. ClinVar contains an entry for this variant (Variation ID: 233160). Invitae Evidence Modeling of protein sequence and biophysical properties (such as structural, functional, and spatial information, amino acid conservation, physicochemical variation, residue mobility, and thermodynamic stability) indicates that this missense variant is not expected to disrupt APC protein function with a negative predictive value of 95%. In summary, the available evidence is currently insufficient to determine the role of this variant in disease. Therefore, it has been classified as a Variant of Uncertain Significance.

Women's Health and Genetics/Laboratory Corporation of America, LabCorp
Classification: Uncertain significance. Last evaluated: 2025-08-11. Review status: criteria provided, single submitter. Criteria: LabCorp Variant Classification Summary - May 2015. Collection method: clinical testing. Allele origin: germline.
Comment: Variant summary: APC c.6127A>G (p.Ile2043Val) results in a conservative amino acid change located in the SAMP domain of the encoded protein sequence. Algorithms developed to predict the effect of missense changes on protein structure and function are either unavailable or do not agree on the potential impact of this missense change. The variant allele was found at a frequency of 4e-06 in 250880 control chromosomes. The available data on variant occurrences in the general population are insufficient to allow any conclusion about variant significance. To our knowledge, no occurrence of c.6127A>G in individuals affected with Familial Adenomatous Polyposis and no experimental evidence demonstrating its impact on protein function have been reported. ClinVar contains an entry for this variant (Variation ID: 233160). Based on the evidence outlined above, the variant was classified as uncertain significance.

Molecular Diagnostics Laboratory, Catalan Institute of Oncology
Classification: Uncertain significance for Hereditary cancer-predisposing syndrome. Last evaluated: 2025-02-03. Review status: criteria provided, single submitter. Criteria: ClinGen ACMG Specifications APC V1.0.0. Collection method: clinical testing. Allele origin: germline.
Comment: BP1 c.6127A>G, located in exon 16 of the APC gene, is predicted to result in the substitution of isoleucine by valine at codon 2043, p.(Ile2043Val) (BP1). This variant is found in 2/267754 alleles at a frequency of 0.0008% in the gnomAD v2.1.1 database, non-cancer dataset. The SpliceAI algorithm predicts no significant impact on splicing. To our knowledge, no well-stablished functional studies have been reported for this variant. It has been reported in the ClinVar database (8x uncertain significance) and in the LOVD database (1x uncertain significance). Based on the currently available information, c.6127A>G is classified as an uncertain significance variant according to ClinGen-APC Guidelines version v1.

GeneDx
Classification: Uncertain significance. Last evaluated: 2024-12-02. Review status: criteria provided, single submitter. Criteria: GeneDx Variant Classification Process June 2021. Collection method: clinical testing. Allele origin: germline. Affected: yes.
Comment: Not observed at significant frequency in large population cohorts (gnomAD); In silico analysis indicates that this missense variant does not alter protein structure/function; Has not been previously published as pathogenic or benign to our knowledge; This variant is associated with the following publications: (PMID: 39125758, 18199528, 36901686)

All of Us Research Program, National Institutes of Health
Classification: Uncertain significance for Classic or attenuated familial adenomatous polyposis. Last evaluated: 2024-06-11. Review status: criteria provided, single submitter. Criteria: ACMG Guidelines, 2015. Collection method: clinical testing. Allele origin: germline. Inheritance: Autosomal dominant inheritance. Observed: 4 variant alleles, 4 heterozygotes.
Comment: This missense variant replaces isoleucine with valine at codon 2043 of the APC protein. Computational prediction is inconclusive regarding the impact of this variant on protein structure and function (internally defined REVEL score threshold 0.5 < inconclusive < 0.7, PMID: 27666373). To our knowledge, functional studies have not been reported for this variant. This variant has not been reported in individuals affected with hereditary cancer in the literature. This variant has been identified in 2/282286 chromosomes in the general population by the Genome Aggregation Database (gnomAD). The available evidence is insufficient to determine the role of this variant in disease conclusively. Therefore, this variant is classified as a Variant of Uncertain Significance.

This study involves interpretation of variants in research participants for the purpose of population health screening. Participant phenotype was not available at the time of variant classification. Additional details can be found in publication PMID: 35346344, PMCID: PMC8962531

Blueprint Genetics
Classification: Uncertain significance. Last evaluated: 2024-05-23. Review status: criteria provided, single submitter. Criteria: ACMG Guidelines, 2015. Collection method: clinical testing. Allele origin: germline.

Quest Diagnostics Nichols Institute San Juan Capistrano
Classification: Uncertain significance. Last evaluated: 2024-03-26. Review status: criteria provided, single submitter. Criteria: Quest Diagnostics criteria. Collection method: clinical testing. Allele origin: unknown.
Comment: The APC c.6127A>G (p.Ile2043Val) variant has not been reported in individuals with APC-related conditions in the published literature. The frequency of this variant in the general population, 0.0000071 (2/282286 chromosomes (Genome Aggregation Database)), is uninformative in the assessment of its pathogenicity. Analysis of this variant using bioinformatics tools for the prediction of the effect of amino acid changes on protein structure and function yielded predictions that this variant is damaging. Based on the available information, we are unable to determine the clinical significance of this variant.

Baylor Genetics
Classification: Uncertain significance for Familial adenomatous polyposis 1. Last evaluated: 2024-03-19. Review status: criteria provided, single submitter. Criteria: ACMG Guidelines, 2015. Collection method: clinical testing. Allele origin: unknown.

Color Diagnostics, LLC DBA Color Health
Classification: Uncertain significance for Hereditary cancer-predisposing syndrome. Last evaluated: 2023-11-08. Review status: criteria provided, single submitter. Criteria: ACMG Guidelines, 2015. Collection method: clinical testing. Allele origin: germline.
Comment: This missense variant replaces isoleucine with valine at codon 2043 of the APC protein. Computational prediction suggests that this variant may have deleterious impact on protein structure and function (internally defined REVEL score threshold >= 0.7, PMID: 27666373). To our knowledge, functional studies have not been reported for this variant. This variant has not been reported in individuals affected with APC-related disorders in the literature. This variant has been identified in 2/282286 chromosomes in the general population by the Genome Aggregation Database (gnomAD). The available evidence is insufficient to determine the role of this variant in disease conclusively. Therefore, this variant is classified as a Variant of Uncertain Significance.

Institute for Biomarker Research, Medical Diagnostic Laboratories, L.L.C.
Classification: Uncertain significance for Hereditary cancer-predisposing syndrome. Last evaluated: 2023-10-03. Review status: criteria provided, single submitter. Criteria: ACMG Guidelines, 2015. Collection method: clinical testing. Allele origin: germline.

Literature cited by the submitters: PubMed 36901686 (cited by Quest Diagnostics Nichols Institute San Juan Capistrano).

NM_000038.6(APC):c.6127A>G (p.Ile2043Val)

Gene: APC (APC regulator of Wnt signaling pathway; plus strand). Cytogenetic location: 5q22.2.
Variant type: single nucleotide variant.
Coding change: c.6127A>G on transcript NM_000038.6 (MANE Select); coding-DNA position 6127, A replaced by G.
Protein change: p.Ile2043Val; replaces isoleucine 2043 with valine.
Molecular consequence: missense variant.
Genome position (GRCh38, 1-based): chr5:112,841,721, A>G. VCF-style: chr5-112841721-A-G. GRCh37 (hg19) VCF-style: chr5-112177418-A-G.
Other names: c.6043A>G, p.Ile2015Val (NM_001354899.2); c.6004A>G, p.Ile2002Val (NM_001354900.2); c.5950A>G, p.Ile1984Val (NM_001354901.2); c.5854A>G, p.Ile1952Val (NM_001354902.2); c.5824A>G, p.Ile1942Val (NM_001354903.2); c.5749A>G, p.Ile1917Val (NM_001354904.2); c.5647A>G, p.Ile1883Val (NM_001354905.2); c.5278A>G, p.Ile1760Val (NM_001354906.2); and 5 more; short protein forms I2025V, I2043V, I1760V, I1984V, I2002V, I2015V, I1917V, I1942V.
Identifiers: ClinVar variation 233160 (VCV000233160.36), dbSNP rs876660233, ClinGen allele CA10578420.